The following is an entry in ClinVar:

NM_000138.5(FBN1):c.2679T>C (p.Asp893=)

Gene: FBN1 (fibrillin 1; minus strand). Cytogenetic location: 15q21.1.
Variant type: single nucleotide variant.
Coding change: c.2679T>C on transcript NM_000138.5 (MANE Select); coding-DNA position 2679, T replaced by C.
Protein change: p.Asp893=; no amino-acid change (aspartic acid 893 retained).
Molecular consequence: synonymous variant.
Genome position (GRCh38, 1-based): chr15:48,494,253, A>G on the plus strand (T>C on the coding strand, the complement: FBN1 is on the minus strand). VCF-style: chr15-48494253-A-G. GRCh37 (hg19) VCF-style: chr15-48786450-A-G.
Other names: c.2679T>C, p.Asp893= (NM_001406716.1).
Identifiers: ClinVar variation 3073822 (VCV003073822.1), dbSNP rs2505568791, ClinGen allele CA490021645.

ClinVar aggregate classification (germline): Likely benign (1 of 4 stars; one submission).

Conditions:
Marfan syndrome (MFS). Also called: MARFAN SYNDROME, TYPE I; Marfan syndrome type 1; Marfan's syndrome; Marfan syndrome, classic; FBN1-Related Marfan Syndrome. Identifiers: Orphanet 284963, Orphanet 558, MedGen C0024796, MONDO:0007947, OMIM 154700.

Submission:

All of Us Research Program, National Institutes of Health
Classification: Likely benign for Marfan syndrome. Last evaluated: 2023-10-06. Review status: criteria provided, single submitter. Criteria: ACMG Guidelines, 2015. Collection method: clinical testing. Allele origin: germline. Inheritance: Autosomal dominant inheritance. Observed: 1 variant allele, 1 heterozygote.
Comment: This study involves interpretation of variants in research participants for the purpose of population health screening. Participant phenotype was not available at the time of variant classification. Additional details can be found in publication PMID: 35346344, PMCID: PMC8962531